The following is an entry in ClinVar:

NM_024422.6(DSC2):c.2402G>A (p.Gly801Asp)

Gene: DSC2 (desmocollin 2; minus strand). Cytogenetic location: 18q12.1.
Variant type: single nucleotide variant.
Coding change: c.2402G>A on transcript NM_024422.6 (MANE Select); coding-DNA position 2402, G replaced by A.
Protein change: p.Gly801Asp; replaces glycine 801 with aspartic acid.
Molecular consequence: missense variant.
Genome position (GRCh38, 1-based): chr18:31,069,000, C>T on the plus strand (G>A on the coding strand, the complement: DSC2 is on the minus strand). VCF-style: chr18-31069000-C-T. GRCh37 (hg19) VCF-style: chr18-28648966-C-T.
Other names: c.2402G>A, p.Gly801Asp (NM_004949.5); c.2402G>A (NM_024422.3); short protein forms G801D.
Identifiers: ClinVar variation 574172 (VCV000574172.13), dbSNP rs1215462499, ClinGen allele CA402111354.

ClinVar aggregate classification (germline): Uncertain significance. Review status: criteria provided, multiple submitters, no conflicts (2 of 4 stars). 4 submissions from 4 submitters: Uncertain significance (4). Last evaluated 2025-08-12.

Conditions:
Cardiomyopathy (CMYO). Also called: Cardiomyopathies. Identifiers: Orphanet 167848, MedGen C0878544, MONDO:0004994, HP:0001638. Inheritance: Various modes of inheritance.
Familial isolated arrhythmogenic right ventricular dysplasia. Identifiers: Orphanet 217656, MedGen C4274968, MONDO:0016342.
Arrhythmogenic right ventricular dysplasia 11. Also called: Arrhythmogenic right ventricular dysplasia 11 with mild palmoplantar keratoderma and woolly hair; Arrhythmogenic Right Ventricular Dysplasia/Cardiomyopathy11; ARRHYTHMOGENIC RIGHT VENTRICULAR DYSPLASIA, FAMILIAL, 11. Identifiers: MedGen C1864850, MONDO:0012506, OMIM 610476.

Allele frequency attached by ClinVar (database versions not stated): gnomAD exomes below 0.00001; TOPMed below 0.00001.

Submissions (4):

Labcorp Genetics (formerly Invitae), Labcorp
Classification: Uncertain significance for Arrhythmogenic right ventricular dysplasia 11. Last evaluated: 2025-08-12. Review status: criteria provided, single submitter. Criteria: Invitae Variant Classification Sherloc (09022015). Collection method: clinical testing. Allele origin: germline.
Comment: This sequence change replaces glycine, which is neutral and non-polar, with aspartic acid, which is acidic and polar, at codon 801 of the DSC2 protein (p.Gly801Asp). This variant is not present in population databases (gnomAD no frequency). This variant has not been reported in the literature in individuals affected with DSC2-related conditions. ClinVar contains an entry for this variant (Variation ID: 574172). Invitae Evidence Modeling of protein sequence and biophysical properties (such as structural, functional, and spatial information, amino acid conservation, physicochemical variation, residue mobility, and thermodynamic stability) has been performed for this missense variant. However, the output from this modeling did not meet the statistical confidence thresholds required to predict the impact of this variant on DSC2 protein function. In summary, the available evidence is currently insufficient to determine the role of this variant in disease. Therefore, it has been classified as a Variant of Uncertain Significance.

GeneDx
Classification: Uncertain significance. Last evaluated: 2024-12-23. Review status: criteria provided, single submitter. Criteria: GeneDx Variant Classification Process June 2021. Collection method: clinical testing. Allele origin: germline. Affected: yes.
Comment: Not observed at significant frequency in large population cohorts (gnomAD); In silico analysis supports that this missense variant has a deleterious effect on protein structure/function; Has not been previously published as pathogenic or benign to our knowledge

Color Diagnostics, LLC DBA Color Health
Classification: Uncertain significance for Cardiomyopathy. Last evaluated: 2024-03-06. Review status: criteria provided, single submitter. Criteria: ACMG Guidelines, 2015. Collection method: clinical testing. Allele origin: germline.
Comment: This missense variant replaces glycine with aspartic acid at codon 801 of the DSC2 protein. Computational prediction suggests that this variant may not impact protein structure and function (internally defined REVEL score threshold <= 0.5, PMID: 27666373). To our knowledge, functional studies have not been reported for this variant. This variant has not been reported in individuals affected with cardiovascular disorders in the literature. This variant has not been identified in the general population by the Genome Aggregation Database (gnomAD). The available evidence is insufficient to determine the role of this variant in disease conclusively. Therefore, this variant is classified as a Variant of Uncertain Significance.

All of Us Research Program, National Institutes of Health
Classification: Uncertain significance for Familial isolated arrhythmogenic right ventricular dysplasia. Last evaluated: 2023-05-31. Review status: criteria provided, single submitter. Criteria: ACMG Guidelines, 2015. Collection method: clinical testing. Allele origin: germline. Inheritance: Autosomal dominant inheritance. Observed: 1 variant allele, 1 heterozygote.
Comment: This missense variant replaces glycine with aspartic acid at codon 801 of the DSC2 protein. Computational prediction suggests that this variant may not impact protein structure and function (internally defined REVEL score threshold <= 0.5, PMID: 27666373). To our knowledge, functional studies have not been reported for this variant. This variant has not been reported in individuals affected with cardiovascular disorders in the literature. This variant has not been identified in the general population by the Genome Aggregation Database (gnomAD). The available evidence is insufficient to determine the role of this variant in disease conclusively. Therefore, this variant is classified as a Variant of Uncertain Significance.

This study involves interpretation of variants in research participants for the purpose of population health screening. Participant phenotype was not available at the time of variant classification. Additional details can be found in publication PMID: 35346344, PMCID: PMC8962531